The following is an entry in ClinVar:

NM_020738.4(KIDINS220):c.999+6A>G

Gene: KIDINS220 (kinase D interacting substrate 220; minus strand). Cytogenetic location: 2p25.1.
Variant type: single nucleotide variant.
Coding change: c.999+6A>G on transcript NM_020738.4 (MANE Select); 6 bases into the intron after coding-DNA position 999, A replaced by G.
Molecular consequence: intron variant.
Genome position (GRCh38, 1-based): chr2:8,798,196, T>C on the plus strand (A>G on the coding strand, the complement: KIDINS220 is on the minus strand). VCF-style: chr2-8798196-T-C. GRCh37 (hg19) VCF-style: chr2-8938326-T-C.
Other names: c.999+6A>G (NM_001348741.2, NM_001348738.2, NM_001348742.2 and 4 more transcripts); c.1002+6A>G (NM_001348739.2, NM_001348740.2, NM_001348734.2 and 3 more transcripts); c.873+6A>G (NM_001348736.2).
Identifiers: ClinVar variation 2421260 (VCV002421260.8), dbSNP rs759302703, ClinGen allele CA1520297.

ClinVar aggregate classification (germline): Uncertain significance. Review status: criteria provided, single submitter (1 of 4 stars). 2 submissions from 2 submitters: Uncertain significance (1). 1 of the submissions does not count toward it. Last evaluated 2024-04-11.

Conditions:
KIDINS220-related disorder. Also called: KIDINS220-related condition.

Allele frequency attached by ClinVar (database versions not stated): TOPMed 0.00002; gnomAD 0.00004; ExAC 0.00008; gnomAD exomes 0.00012.
gnomAD v4.1: 167 of 1,549,438 alleles (0.011%); highest among the groups gnomAD compares: South Asian, 0.013%; no homozygotes.

Submissions (2):

Labcorp Genetics (formerly Invitae), Labcorp
Classification: Uncertain significance. Last evaluated: 2024-04-11. Review status: criteria provided, single submitter. Criteria: Invitae Variant Classification Sherloc (09022015). Collection method: clinical testing. Allele origin: germline.
Comment: This sequence change falls in intron 10 of the KIDINS220 gene. It does not directly change the encoded amino acid sequence of the KIDINS220 protein. It affects a nucleotide within the consensus splice site. This variant is present in population databases (rs759302703, gnomAD 0.01%). This variant has not been reported in the literature in individuals affected with KIDINS220-related conditions. ClinVar contains an entry for this variant (Variation ID: 2421260). Variants that disrupt the consensus splice site are a relatively common cause of aberrant splicing (PMID: 17576681, 9536098). Algorithms developed to predict the effect of sequence changes on RNA splicing suggest that this variant is not likely to affect RNA splicing. In summary, the available evidence is currently insufficient to determine the role of this variant in disease. Therefore, it has been classified as a Variant of Uncertain Significance.

PreventionGenetics, part of Exact Sciences
Classification: Likely benign for KIDINS220-related condition. Last evaluated: 2023-01-27. Review status: no assertion criteria provided. Collection method: clinical testing. Allele origin: germline. Not counted in ClinVar's aggregate classification.
Comment: This variant is classified as likely benign based on ACMG/AMP sequence variant interpretation guidelines (Richards et al. 2015 PMID: 25741868, with internal and published modifications).

Literature cited by the submitters: PubMed 17576681 (cited by Labcorp Genetics (formerly Invitae), Labcorp); PubMed 9536098 (cited by Labcorp Genetics (formerly Invitae), Labcorp).